The following is an entry in ClinVar:

NM_001378120.1(MBD5):c.2330A>G (p.Asn777Ser)

Gene: MBD5 (methyl-CpG binding domain protein 5; plus strand). Cytogenetic location: 2q23.1.
Variant type: single nucleotide variant.
Coding change: c.2330A>G on transcript NM_001378120.1 (MANE Select); coding-DNA position 2330, A replaced by G.
Protein change: p.Asn777Ser; replaces asparagine 777 with serine.
Molecular consequence: missense variant.
Genome position (GRCh38, 1-based): chr2:148,470,273, A>G. VCF-style: chr2-148470273-A-G. GRCh37 (hg19) VCF-style: chr2-149227842-A-G.
Other names: c.2330A>G, p.Asn777Ser (NM_018328.5); short protein forms N777S.
Identifiers: ClinVar variation 1694968 (VCV001694968.36), dbSNP rs768601611, ClinGen allele CA1900126.

ClinVar aggregate classification (germline): Conflicting classifications of pathogenicity. Review status: criteria provided, conflicting classifications (1 of 4 stars). 2 submissions from 2 submitters: Uncertain significance (1); Likely benign (1). Last evaluated 2025-08-18.

Conditions:
Intellectual developmental disorder, autosomal dominant 1. Also called: Intellectual disability, autosomal dominant 1; MBD5 Haploinsufficiency. Identifiers: Orphanet 228402, MedGen C1969562, MONDO:0007974, OMIM 156200.

Allele frequency attached by ClinVar (database versions not stated): gnomAD 0.00002 and 0.00001; TOPMed 0.00002; gnomAD exomes 0.00001 and 0.00002; ExAC 0.00002.
gnomAD v4.1: 16 of 1,613,840 alleles (0.00099%); highest among the groups gnomAD compares: South Asian, 0.0066%; no homozygotes.

Submissions (2):

Labcorp Genetics (formerly Invitae), Labcorp
Classification: Uncertain significance for Intellectual developmental disorder, autosomal dominant 1. Last evaluated: 2025-08-18. Review status: criteria provided, single submitter. Criteria: Invitae Variant Classification Sherloc (09022015). Collection method: clinical testing. Allele origin: germline.
Comment: This sequence change replaces asparagine, which is neutral and polar, with serine, which is neutral and polar, at codon 777 of the MBD5 protein (p.Asn777Ser). This variant is present in population databases (rs768601611, gnomAD 0.006%). This variant has not been reported in the literature in individuals affected with MBD5-related conditions. ClinVar contains an entry for this variant (Variation ID: 1694968). Invitae Evidence Modeling of protein sequence and biophysical properties (such as structural, functional, and spatial information, amino acid conservation, physicochemical variation, residue mobility, and thermodynamic stability) indicates that this missense variant is not expected to disrupt MBD5 protein function with a negative predictive value of 80%. In summary, the available evidence is currently insufficient to determine the role of this variant in disease. Therefore, it has been classified as a Variant of Uncertain Significance.

CeGaT Center for Human Genetics Tuebingen
Classification: Likely benign. Last evaluated: 2022-06-01. Review status: criteria provided, single submitter. Criteria: CeGaT Center For Human Genetics Tuebingen Variant Classification Criteria Version 2. Collection method: clinical testing. Allele origin: germline. Affected: yes. Observed: 1 variant allele.
Comment: MBD5: BP4